The following is an entry in ClinVar:

NM_003664.5(AP3B1):c.1045G>T (p.Val349Leu)

Gene: AP3B1 (adaptor related protein complex 3 subunit beta 1; minus strand). Cytogenetic location: 5q14.1.
Variant type: single nucleotide variant.
Coding change: c.1045G>T on transcript NM_003664.5 (MANE Select); coding-DNA position 1045, G replaced by T.
Protein change: p.Val349Leu; replaces valine 349 with leucine.
Molecular consequence: missense variant.
Genome position (GRCh38, 1-based): chr5:78,175,834, C>A on the plus strand (G>T on the coding strand, the complement: AP3B1 is on the minus strand). VCF-style: chr5-78175834-C-A. GRCh37 (hg19) VCF-style: chr5-77471658-C-A.
Other names: c.898G>T, p.Val300Leu (NM_001271769.2); c.1045G>T, p.Val349Leu (NM_001410752.1); short protein forms V300L, V349L.
Identifiers: ClinVar variation 2421933 (VCV002421933.4), dbSNP rs775453653, ClinGen allele CA3317211.

ClinVar aggregate classification (germline): Uncertain significance (1 of 4 stars; one submission).

Conditions:
Hermansky-Pudlak syndrome 2 (HPS2). Also called: Platelet defects and oculocutaneous albinism. Identifiers: Orphanet 183678, Orphanet 79430, MedGen C1842362, MONDO:0011997, OMIM 608233.

Allele frequency attached by ClinVar (database versions not stated): ExAC 0.00001.

Submission:

Labcorp Genetics (formerly Invitae), Labcorp
Classification: Uncertain significance for Hermansky-Pudlak syndrome 2. Last evaluated: 2022-04-16. Review status: criteria provided, single submitter. Criteria: Invitae Variant Classification Sherloc (09022015). Collection method: clinical testing. Allele origin: germline.
Comment: In summary, the available evidence is currently insufficient to determine the role of this variant in disease. Therefore, it has been classified as a Variant of Uncertain Significance. Algorithms developed to predict the effect of missense changes on protein structure and function (SIFT, PolyPhen-2, Align-GVGD) all suggest that this variant is likely to be tolerated. This variant has not been reported in the literature in individuals affected with AP3B1-related conditions. This variant is present in population databases (rs775453653, gnomAD 0.0009%). This sequence change replaces valine, which is neutral and non-polar, with leucine, which is neutral and non-polar, at codon 349 of the AP3B1 protein (p.Val349Leu).